The following is an entry in ClinVar:

NM_001853.4(COL9A3):c.846C>T (p.Leu282=)

Gene: COL9A3 (collagen type IX alpha 3 chain; plus strand). Cytogenetic location: 20q13.33.
Variant type: single nucleotide variant.
Coding change: c.846C>T on transcript NM_001853.4 (MANE Select); coding-DNA position 846, C replaced by T.
Protein change: p.Leu282=; no amino-acid change (leucine 282 retained).
Molecular consequence: synonymous variant.
Genome position (GRCh38, 1-based): chr20:62,827,294, C>T. VCF-style: chr20-62827294-C-T. GRCh37 (hg19) VCF-style: chr20-61458646-C-T.
Identifiers: ClinVar variation 2121125 (VCV002121125.28), dbSNP rs745808996, ClinGen allele CA317331992.

ClinVar aggregate classification (germline): Conflicting classifications of pathogenicity. Review status: criteria provided, conflicting classifications (1 of 4 stars). 2 submissions from 2 submitters: Uncertain significance (1); Likely benign (1). Last evaluated 2023-06-01.

Allele frequency attached by ClinVar (database versions not stated): TOPMed below 0.00001; gnomAD 0.00001.
gnomAD v4.1: 10 of 1,612,876 alleles (0.00062%); highest among the groups gnomAD compares: East Asian, 0.0022%; no homozygotes.

Submissions (2):

CeGaT Center for Human Genetics Tuebingen
Classification: Likely benign. Last evaluated: 2023-06-01. Review status: criteria provided, single submitter. Criteria: CeGaT Center For Human Genetics Tuebingen Variant Classification Criteria Version 2. Collection method: clinical testing. Allele origin: germline. Affected: yes. Observed: 1 variant allele.
Comment: COL9A3: BP4, BP7

Labcorp Genetics (formerly Invitae), Labcorp
Classification: Uncertain significance. Last evaluated: 2022-04-03. Review status: criteria provided, single submitter. Criteria: Invitae Variant Classification Sherloc (09022015). Collection method: clinical testing. Allele origin: germline.
Comment: This sequence change affects codon 282 of the COL9A3 mRNA. It is a 'silent' change, meaning that it does not change the encoded amino acid sequence of the COL9A3 protein. It affects a nucleotide within the consensus splice site. This variant is present in population databases (rs745808996, gnomAD 0.002%). This variant has not been reported in the literature in individuals affected with COL9A3-related conditions. Algorithms developed to predict the effect of sequence changes on RNA splicing suggest that this variant is not likely to affect RNA splicing. In summary, the available evidence is currently insufficient to determine the role of this variant in disease. Therefore, it has been classified as a Variant of Uncertain Significance.